The following is an entry in ClinVar:

NM_004525.3(LRP2):c.8273dup (p.Tyr2758Ter)

Gene: LRP2 (LDL receptor related protein 2; minus strand). Cytogenetic location: 2q31.1.
Variant type: Duplication.
Coding change: c.8273dup on transcript NM_004525.3 (MANE Select); coding-DNA position 8273, one base duplicated (A; older notation c.8273dupA).
Protein change: p.Tyr2758Ter; replaces tyrosine 2758 with a stop codon.
Molecular consequence: nonsense.
Genome position (GRCh38, 1-based): chr2:169,201,807, T duplicated on the plus strand (A on the coding strand, the reverse complement: LRP2 is on the minus strand). VCF-style (leftmost placement, unchanged base first): chr2-169201806-G-GT. GRCh37 (hg19) VCF-style: chr2-170058316-G-GT.
Other names: short protein forms Y2758*.
Identifiers: ClinVar variation 3650778 (VCV003650778.2).

ClinVar aggregate classification (germline): Pathogenic (1 of 4 stars; one submission).

Submission:

Labcorp Genetics (formerly Invitae), Labcorp
Classification: Pathogenic. Last evaluated: 2024-06-05. Review status: criteria provided, single submitter. Criteria: Invitae Variant Classification Sherloc (09022015). Collection method: clinical testing. Allele origin: germline.
Comment: This sequence change creates a premature translational stop signal (p.Tyr2758*) in the LRP2 gene. It is expected to result in an absent or disrupted protein product. Loss-of-function variants in LRP2 are known to be pathogenic (PMID: 17632512, 25682901). This variant is not present in population databases (gnomAD no frequency). This variant has not been reported in the literature in individuals affected with LRP2-related conditions. For these reasons, this variant has been classified as Pathogenic.

Literature cited by the submitters: PubMed 17632512; PubMed 25682901.